The following is an entry in ClinVar:

ClinVar aggregate classification (germline): Conflicting classifications of pathogenicity. Review status: criteria provided, conflicting classifications (1 of 4 stars). 25 submissions from 21 submitters: Uncertain significance (3); Benign (13); Likely benign (3). 6 of the submissions do not count toward it. Last evaluated 2026-07-01.

Conditions:
Cardiovascular phenotype. Identifiers: MedGen CN230736.
Autosomal recessive limb-girdle muscular dystrophy type 2J (LGMDR10). Also called: MUSCULAR DYSTROPHY, LIMB-GIRDLE, AUTOSOMAL RECESSIVE 10; Limb-girdle muscular dystrophy, type 2J. Identifiers: Orphanet 140922, MedGen C1837342, MONDO:0012127, OMIM 608807.
Dilated cardiomyopathy 1G (CMD1G). Identifiers: Orphanet 154, MedGen C1858763, MONDO:0011400, OMIM 604145.
Cardiomyopathy (CMYO). Also called: Cardiomyopathies. Identifiers: Orphanet 167848, MedGen C0878544, MONDO:0004994, HP:0001638. Inheritance: Various modes of inheritance.
Early-onset myopathy with fatal cardiomyopathy (CMYO5). Also called: CONGENITAL MYOPATHY 5 WITH CARDIOMYOPATHY; Salih Myopathy. Identifiers: Orphanet 289377, MedGen C2673677, MONDO:0012714, OMIM 611705. Disease mechanism: loss of function.
Myopathy, myofibrillar, 9, with early respiratory failure (MFM9). Also called: Myopathy, distal, with early respiratory failure, autosomal dominant; Hereditary myopathy with early respiratory failure; EDSTROM MYOPATHY; MYOPATHY, PROXIMAL, WITH EARLY RESPIRATORY MUSCLE INVOLVEMENT. Identifiers: Orphanet 178464, Orphanet 34521, MedGen C1863599, MONDO:0011362, OMIM 603689.
Tibial muscular dystrophy (TMD). Also called: Tibial muscular dystrophy, tardive; Udd Distal Myopathy – Tibial Muscular Dystrophy; UDD MYOPATHY. Identifiers: Orphanet 609, MedGen C1838244, MONDO:0010870, OMIM 600334.

Allele frequency attached by ClinVar (database versions not stated): 1000 Genomes Project 30x 0.00234; gnomAD exomes 0.00297 and 0.00388; gnomAD 0.00316 and 0.00318; ExAC 0.00349; ESP Exome Variant Server 0.00081; TOPMed 0.00091; 1000 Genomes Project 0.00260.
gnomAD v4.1: 4,774 of 1,613,908 alleles (0.3%); highest among the groups gnomAD compares: South Asian, 0.51%; 28 homozygotes.

Submissions (25):

CeGaT Center for Human Genetics Tuebingen
Classification: Likely benign. Last evaluated: 2026-07-01. Review status: criteria provided, single submitter. Criteria: CeGaT Center For Human Genetics Tuebingen Variant Classification Criteria Version 2. Collection method: clinical testing. Allele origin: germline. Affected: yes. Observed: 11 variant alleles.
Comment: TTN: BP4

Labcorp Genetics (formerly Invitae), Labcorp
Classification: Benign for Dilated cardiomyopathy 1G; Autosomal recessive limb-girdle muscular dystrophy type 2J. Last evaluated: 2026-02-01. Review status: criteria provided, single submitter. Criteria: Invitae Variant Classification Sherloc (09022015). Collection method: clinical testing. Allele origin: germline.

Molecular Diagnostic Laboratory for Inherited Cardiovascular Disease, Montreal Heart Institute
Classification: Benign. Last evaluated: 2025-04-09. Review status: criteria provided, single submitter. Criteria: ACMG Guidelines, 2015. Collection method: clinical testing. Allele origin: germline. Affected: no.

Blueprint Genetics
Classification: Likely benign. Last evaluated: 2024-11-25. Review status: criteria provided, single submitter. Criteria: ACMG Guidelines, 2015. Collection method: clinical testing. Allele origin: germline.

Genetic Services Laboratory, University of Chicago
Classification: Benign. Last evaluated: 2021-11-08. Review status: criteria provided, single submitter. Criteria: ACMG Guidelines, 2015. Collection method: clinical testing. Allele origin: germline. Affected: no.

Mayo Clinic Laboratories, Mayo Clinic
Classification: Benign. Last evaluated: 2021-07-20. Review status: criteria provided, single submitter. Criteria: ACMG Guidelines, 2015. Collection method: clinical testing. Allele origin: germline. Observed: 4 variant alleles.

Women's Health and Genetics/Laboratory Corporation of America, LabCorp
Classification: Benign. Last evaluated: 2020-06-10. Review status: criteria provided, single submitter. Criteria: LabCorp Variant Classification Summary - May 2015. Collection method: clinical testing. Allele origin: germline.
Comment: Variant summary: TTN c.80104G>A (p.Val26702Ile) results in a conservative amino acid change located in the A-band region of the encoded protein sequence. Five of five in-silico tools predict a benign effect of the variant on protein function. The variant allele was found at a frequency of 0.0039 in 248724 control chromosomes in the gnomAD database, including 12 homozygotes. The observed variant frequency is approximately 6.2 fold of the estimated maximal expected allele frequency for a pathogenic variant in TTN causing Cardiomyopathy phenotype (0.00063), strongly suggesting that the variant is benign. To our knowledge, no occurrence of c.80104G>A in individuals affected with Cardiomyopathy and no experimental evidence demonstrating its impact on protein function have been reported. Nine clinical diagnostic laboratories have submitted clinical-significance assessments for this variant to ClinVar after 2014 without evidence for independent evaluation (benign, n=7; likely benign, n=1; VUS, n=1). Based on the evidence outlined above, the variant was classified as benign.

Ambry Genetics
Classification: Benign for Cardiovascular phenotype. Last evaluated: 2018-09-20. Review status: criteria provided, single submitter. Criteria: Ambry Variant Classification Scheme 2023. Collection method: clinical testing. Allele origin: germline.

CHEO Genetics Diagnostic Laboratory, Children's Hospital of Eastern Ontario
Classification: Benign for Cardiomyopathy. Last evaluated: 2018-03-19. Review status: criteria provided, single submitter. Criteria: ACMG Guidelines, 2015. Collection method: clinical testing. Allele origin: germline.

Illumina Laboratory Services, Illumina
Classification: Benign for Myopathy, myofibrillar, 9, with early respiratory failure. Last evaluated: 2018-01-12. Review status: criteria provided, single submitter. Criteria: ICSL Variant Classification Criteria 13 December 2019. Collection method: clinical testing. Allele origin: germline.
Comment: This variant was observed in the ICSL laboratory as part of a predisposition screen in an ostensibly healthy population. It had not been previously curated by ICSL or reported in the Human Gene Mutation Database (HGMD: prior to June 1st, 2018), and was therefore a candidate for classification through an automated scoring system. Utilizing variant allele frequency, disease prevalence and penetrance estimates, and inheritance mode, an automated score was calculated to assess if this variant is too frequent to cause the disease. Based on the score and internal cut-off values, a variant classified as benign is not then subjected to further curation. The score for this variant resulted in a classification of benign for this disease.

Illumina Laboratory Services, Illumina
Classification: Uncertain significance for Early-onset myopathy with fatal cardiomyopathy. Last evaluated: 2018-01-12. Review status: criteria provided, single submitter. Criteria: ICSL Variant Classification Criteria 13 December 2019. Collection method: clinical testing. Allele origin: germline.

Illumina Laboratory Services, Illumina
Classification: Uncertain significance for Dilated cardiomyopathy 1G. Last evaluated: 2018-01-12. Review status: criteria provided, single submitter. Criteria: ICSL Variant Classification Criteria 13 December 2019. Collection method: clinical testing. Allele origin: germline.

Illumina Laboratory Services, Illumina
Classification: Uncertain significance for Autosomal recessive limb-girdle muscular dystrophy type 2J. Last evaluated: 2018-01-12. Review status: criteria provided, single submitter. Criteria: ICSL Variant Classification Criteria 13 December 2019. Collection method: clinical testing. Allele origin: germline.

Illumina Laboratory Services, Illumina
Classification: Benign for Tibial muscular dystrophy. Last evaluated: 2018-01-12. Review status: criteria provided, single submitter. Criteria: ICSL Variant Classification Criteria 13 December 2019. Collection method: clinical testing. Allele origin: germline.
Comment: the same text as in the submission from Illumina Laboratory Services, Illumina above.

Athena Diagnostics
Classification: Benign. Last evaluated: 2017-10-25. Review status: criteria provided, single submitter. Criteria: Athena Diagnostics Criteria. Collection method: clinical testing. Allele origin: germline.

GeneDx
Classification: Benign. Last evaluated: 2017-04-17. Review status: criteria provided, single submitter. Criteria: GeneDx Variant Classification (06012015). Collection method: clinical testing. Allele origin: germline. Affected: yes.
Comment: This variant is considered likely benign or benign based on one or more of the following criteria: it is a conservative change, it occurs at a poorly conserved position in the protein, it is predicted to be benign by multiple in silico algorithms, and/or has population frequency not consistent with disease.

Laboratory for Molecular Medicine, Mass General Brigham Personalized Medicine
Classification: Benign. Last evaluated: 2015-04-29. Review status: criteria provided, single submitter. Criteria: LMM Criteria. Collection method: clinical testing. Allele origin: germline. Observed: 14 variant alleles.
Comment: p.Val26702Ile in exon 278 of TTN: This variant is not expected to have clinical significance because it has been identified in 2.6% (169/6612) of Finnish chromo somes by the Exome Aggregation Consortium (ExAC; dbSNP rs141624266).

Eurofins Ntd Llc (ga)
Classification: Benign. Last evaluated: 2015-02-02. Review status: criteria provided, single submitter. Criteria: EGL Classification Definitions 2015. Collection method: clinical testing. Allele origin: germline. Observed: 2 variant alleles, 2 heterozygotes.

Biesecker Lab/Clinical Genomics Section, National Institutes of Health
Classification: Likely benign. Last evaluated: 2013-06-24. Review status: criteria provided, single submitter. Criteria: Ng et al. (Circ Cardiovasc Genet. 2013). Collection method: research. Allele origin: unknown. Observed: 4 variant alleles. Study: ClinSeq.
Comment: The study set was not selected for affection status in relation to any cancer. Pathogenicity categories were based on literature curation. See Pubmed ID:23861362 for details.

Medical sequencing

Clinical Genetics DNA and cytogenetics Diagnostics Lab, Erasmus MC, Erasmus Medical Center
Classification: Likely benign. Review status: no assertion criteria provided. Collection method: clinical testing. Allele origin: germline. Affected: yes. Study: VKGL Data-share Consensus. Not counted in ClinVar's aggregate classification.

Clinical Genetics, Academic Medical Center
Classification: Benign. Review status: no assertion criteria provided. Collection method: clinical testing. Allele origin: germline. Affected: yes. Study: VKGL Data-share Consensus. Not counted in ClinVar's aggregate classification.

Diagnostic Laboratory, Department of Genetics, University Medical Center Groningen
Classification: Benign. Review status: no assertion criteria provided. Collection method: clinical testing. Allele origin: germline. Affected: yes. Study: VKGL Data-share Consensus. Not counted in ClinVar's aggregate classification.

Genome Diagnostics Laboratory, University Medical Center Utrecht
Classification: Likely benign. Review status: no assertion criteria provided. Collection method: clinical testing. Allele origin: germline. Affected: yes. Study: VKGL Data-share Consensus. Not counted in ClinVar's aggregate classification.

Joint Genome Diagnostic Labs from Nijmegen and Maastricht, Radboudumc and MUMC+
Classification: Benign. Review status: no assertion criteria provided. Collection method: clinical testing. Allele origin: germline. Affected: yes. Study: VKGL Data-share Consensus. Not counted in ClinVar's aggregate classification.

Laboratory of Diagnostic Genome Analysis, Leiden University Medical Center (LUMC)
Classification: Likely benign. Review status: no assertion criteria provided. Collection method: clinical testing. Allele origin: germline. Affected: yes. Study: VKGL Data-share Consensus. Not counted in ClinVar's aggregate classification.

NM_001267550.2(TTN):c.87808G>A (p.Val29270Ile)

Genes: TTN-AS1 (TTN antisense RNA 1; plus strand), TTN (titin; minus strand). Cytogenetic location: 2q31.2.
Variant type: single nucleotide variant.
Coding change: c.87808G>A on transcript NM_001267550.2 (MANE Select); coding-DNA position 87808, G replaced by A.
Protein change: p.Val29270Ile; replaces valine 29270 with isoleucine.
Molecular consequence: missense variant.
Genome position (GRCh38, 1-based): chr2:178,557,454, C>T on the plus strand (G>A on the coding strand, the complement: TTN is on the minus strand). VCF-style: chr2-178557454-C-T. GRCh37 (hg19) VCF-style: chr2-179422181-C-T.
Other names: p.V27629I:GTA>ATA; c.82885G>A, p.Val27629Ile (NM_001256850.1); c.80104G>A, p.Val26702Ile (NM_133378.4); c.60613G>A, p.Val20205Ile (NM_003319.4); c.60988G>A, p.Val20330Ile (NM_133432.3); c.61189G>A, p.Val20397Ile (NM_133437.4); short protein forms V29270I, V26702I, V27629I, V20205I, V20330I, V20397I.
Identifiers: ClinVar variation 47469 (VCV000047469.66), dbSNP rs141624266, ClinGen allele CA141102.